The following is an entry in ClinVar:

ClinVar aggregate classification (germline): Uncertain significance (1 of 4 stars; one submission).

gnomAD v4.1: 1 of 1,614,078 alleles (0.000062%); highest among the groups gnomAD compares: Non-Finnish European, 0.000085%; no homozygotes.

Submission:

GeneDx
Classification: Uncertain significance. Last evaluated: 2024-05-06. Review status: criteria provided, single submitter. Criteria: GeneDx Variant Classification Process June 2021. Collection method: clinical testing. Allele origin: germline. Affected: yes.
Comment: Not observed at significant frequency in large population cohorts (gnomAD); In silico analysis indicates that this missense variant does not alter protein structure/function; Has not been previously published as pathogenic or benign to our knowledge

NM_182931.3(KMT2E):c.5428G>C (p.Gly1810Arg)

Gene: KMT2E (lysine methyltransferase 2E (inactive); plus strand). Cytogenetic location: 7q22.3.
Variant type: single nucleotide variant.
Coding change: c.5428G>C on transcript NM_182931.3 (MANE Select); coding-DNA position 5428, G replaced by C.
Protein change: p.Gly1810Arg; replaces glycine 1810 with arginine.
Molecular consequence: missense variant.
Genome position (GRCh38, 1-based): chr7:105,113,184, G>C. VCF-style: chr7-105113184-G-C. GRCh37 (hg19) VCF-style: chr7-104753631-G-C.
Other names: c.5302G>C, p.Gly1768Arg (NM_001410908.1); c.5428G>C, p.Gly1810Arg (NM_018682.4); short protein forms G1768R, G1810R.
Identifiers: ClinVar variation 3376113 (VCV003376113.1).